The following is an entry in ClinVar:

ClinVar aggregate classification (germline): Uncertain significance. Review status: criteria provided, multiple submitters, no conflicts (2 of 4 stars). 2 submissions from 2 submitters: Uncertain significance (2). Last evaluated 2026-08-24.

Conditions:
Gorlin syndrome. Also called: Nevoid Basal Cell Carcinoma Syndrome; Basal cell nevus syndrome. Identifiers: Orphanet 377, MedGen C0004779, MONDO:0007187.
Hereditary cancer-predisposing syndrome. Also called: Hereditary neoplastic syndrome; Hereditary Cancer Syndrome; Neoplastic Syndromes, Hereditary; Tumor predisposition. Identifiers: Orphanet 140162, MedGen C0027672, MeSH D009386, MONDO:0015356.

Allele frequency attached by ClinVar (database versions not stated): gnomAD exomes below 0.00001.
gnomAD v4.1: 3 of 1,614,212 alleles (0.00019%); highest among the groups gnomAD compares: East Asian, 0.0022%; no homozygotes.

Submissions (2):

Ambry Genetics
Classification: Uncertain significance for Hereditary cancer-predisposing syndrome. Last evaluated: 2026-08-24. Review status: criteria provided, single submitter. Criteria: Ambry Variant Classification Scheme 2023. Collection method: clinical testing. Allele origin: germline.
Comment: The p.Y801C variant (also known as c.2402A>G), located in coding exon 15 of the PTCH1 gene, results from an A to G substitution at nucleotide position 2402. The tyrosine at codon 801 is replaced by cysteine, an amino acid with highly dissimilar properties. This amino acid position is conserved. In addition, this alteration is predicted to be deleterious by in silico analysis. Based on the available evidence, the clinical significance of this variant remains unclear.

Labcorp Genetics (formerly Invitae), Labcorp
Classification: Uncertain significance for Gorlin syndrome. Last evaluated: 2025-04-07. Review status: criteria provided, single submitter. Criteria: Invitae Variant Classification Sherloc (09022015). Collection method: clinical testing. Allele origin: germline.
Comment: This sequence change replaces tyrosine, which is neutral and polar, with cysteine, which is neutral and slightly polar, at codon 801 of the PTCH1 protein (p.Tyr801Cys). This variant is not present in population databases (gnomAD no frequency). This variant has not been reported in the literature in individuals affected with PTCH1-related conditions. ClinVar contains an entry for this variant (Variation ID: 2702725). Invitae Evidence Modeling of protein sequence and biophysical properties (such as structural, functional, and spatial information, amino acid conservation, physicochemical variation, residue mobility, and thermodynamic stability) has been performed for this missense variant. However, the output from this modeling did not meet the statistical confidence thresholds required to predict the impact of this variant on PTCH1 protein function. In summary, the available evidence is currently insufficient to determine the role of this variant in disease. Therefore, it has been classified as a Variant of Uncertain Significance.

NM_000264.5(PTCH1):c.2402A>G (p.Tyr801Cys)

Genes: PTCH1 (patched 1; minus strand), LOC100507346 (uncharacterized LOC100507346; plus strand). Cytogenetic location: 9q22.32.
Variant type: single nucleotide variant.
Coding change: c.2402A>G on transcript NM_000264.5 (MANE Select); coding-DNA position 2402, A replaced by G.
Protein change: p.Tyr801Cys; replaces tyrosine 801 with cysteine.
Molecular consequence: missense variant.
Genome position (GRCh38, 1-based): chr9:95,467,274, T>C on the plus strand (A>G on the coding strand, the complement: PTCH1 is on the minus strand). VCF-style: chr9-95467274-T-C. GRCh37 (hg19) VCF-style: chr9-98229556-T-C.
Other names: c.2204A>G, p.Tyr735Cys (NM_001083602.3); c.2399A>G, p.Tyr800Cys (NM_001083603.3); c.1949A>G, p.Tyr650Cys (NM_001083604.3, NM_001083605.3, NM_001083606.3 and 1 more transcripts); c.2246A>G, p.Tyr749Cys (NM_001354918.2); short protein forms Y749C, Y801C, Y800C, Y650C, Y735C.
Identifiers: ClinVar variation 2702725 (VCV002702725.4), dbSNP rs2117963519, ClinGen allele CA374114334.
Genomic context (GRCh38, chr9:95,467,274, plus strand): 5'-TCGTAAAGTAAGTGCTGGATATTCGGGTAGTCTGCTTTCTGGGTGACTATATACATGTTG[T>C]AGAAAGAAAAGTATTTGAATTGTGCAGCAATAAAGTCATATTCTCTGGTTTCCCGAGGTA-3'
Protein context (NP_000255.2, residues 791-811): IAAQFKYFSF[Tyr801Cys]NMYIVTQKAD